The following is an entry in ClinVar:

NM_000565.4(IL6R):c.1129G>A (p.Gly377Arg)

Gene: IL6R (interleukin 6 receptor; plus strand). Cytogenetic location: 1q21.3.
Variant type: single nucleotide variant.
Coding change: c.1129G>A on transcript NM_000565.4 (MANE Select); coding-DNA position 1129, G replaced by A.
Protein change: p.Gly377Arg; replaces glycine 377 with arginine.
Molecular consequence: missense variant. On other transcripts: intron variant (2).
Genome position (GRCh38, 1-based): chr1:154,454,550, G>A. VCF-style: chr1-154454550-G-A. GRCh37 (hg19) VCF-style: chr1-154427026-G-A.
Other names: c.1228G>A, p.Gly410Arg (NM_001382769.1); c.1222G>A, p.Gly408Arg (NM_001382770.1); c.1177G>A, p.Gly393Arg (NM_001382771.1); c.1123G>A, p.Gly375Arg (NM_001382772.1); c.769G>A, p.Gly257Arg (NM_001382774.1); c.1114+4570G>A (NM_001382773.1); c.1066+4570G>A (NM_181359.3); short protein forms G257R, G410R, G377R, G393R, G408R, G375R.
Identifiers: ClinVar variation 1383273 (VCV001383273.6), dbSNP rs201215537, ClinGen allele CA1129281.
Genomic context (GRCh38, chr1:154,454,550, plus strand): 5'-CAAGATTCTTCTTCAGTACCACTGCCCACATTCCTGGTTGCTGGAGGGAGCCTGGCCTTC[G>A]GAACGCTCCTCTGCATTGCCATTGTTCTGAGGTGAGATGGGTCCCAGGGGATGGCCCTGT-3'
Protein context (NP_000556.1, residues 367-387): FLVAGGSLAF[Gly377Arg]TLLCIAIVLR

ClinVar aggregate classification (germline): Uncertain significance. Review status: criteria provided, multiple submitters, no conflicts (2 of 4 stars). 2 submissions from 2 submitters: Uncertain significance (2). Last evaluated 2024-02-27.

Allele frequency attached by ClinVar (database versions not stated): gnomAD exomes 0.00003 and 0.00005; gnomAD 0.00004 and 0.00005; ExAC 0.00007; 1000 Genomes Project 30x 0.00016; 1000 Genomes Project 0.00020.
gnomAD v4.1: 48 of 1,613,702 alleles (0.003%); highest among the groups gnomAD compares: East Asian, 0.067%; no homozygotes.

Submissions (2):

Blueprint Genetics
Classification: Uncertain significance. Last evaluated: 2024-02-27. Review status: criteria provided, single submitter. Criteria: ACMG Guidelines, 2015. Collection method: clinical testing. Allele origin: germline.

Labcorp Genetics (formerly Invitae), Labcorp
Classification: Uncertain significance. Last evaluated: 2022-06-15. Review status: criteria provided, single submitter. Criteria: Invitae Variant Classification Sherloc (09022015). Collection method: clinical testing. Allele origin: germline.
Comment: This sequence change replaces glycine, which is neutral and non-polar, with arginine, which is basic and polar, at codon 377 of the IL6R protein (p.Gly377Arg). This variant is present in population databases (rs201215537, gnomAD 0.04%). This variant has not been reported in the literature in individuals affected with IL6R-related conditions. Algorithms developed to predict the effect of missense changes on protein structure and function are either unavailable or do not agree on the potential impact of this missense change (SIFT: "Deleterious"; PolyPhen-2: "Probably Damaging"; Align-GVGD: "Class C0"). Algorithms developed to predict the effect of sequence changes on RNA splicing suggest that this variant may disrupt the consensus splice site. In summary, the available evidence is currently insufficient to determine the role of this variant in disease. Therefore, it has been classified as a Variant of Uncertain Significance.